The following is an entry in ClinVar:

NM_025219.3(DNAJC5):c.*2601C>T

Gene: DNAJC5 (DnaJ heat shock protein family (Hsp40) member C5; plus strand). Cytogenetic location: 20q13.33.
Variant type: single nucleotide variant.
Coding change: c.*2601C>T on transcript NM_025219.3 (MANE Select); 2601 bases downstream of the stop codon, C replaced by T.
Molecular consequence: 3 prime UTR variant.
Genome position (GRCh38, 1-based): chr20:63,934,169, C>T. VCF-style: chr20-63934169-C-T. GRCh37 (hg19) VCF-style: chr20-62565522-C-T.
Identifiers: ClinVar variation 339407 (VCV000339407.9), dbSNP rs112103063, ClinGen allele CA10652798.

ClinVar aggregate classification (germline): Benign/Likely benign. Review status: criteria provided, multiple submitters, no conflicts (2 of 4 stars). 3 submissions from 3 submitters: Benign (2); Likely benign (1). Last evaluated 2021-05-12.

Conditions:
Ceroid lipofuscinosis, neuronal, 4 (Kufs type) (CLN4). Also called: Neuronal ceroid lipofuscinosis 4B; Ceroid lipofuscinosis, neuronal, 4, Parry type. Identifiers: Orphanet 228343, Orphanet 79262, MedGen C1834207, MONDO:0008083, OMIM 162350.

Allele frequency attached by ClinVar (database versions not stated): 1000 Genomes Project 0.02875; 1000 Genomes Project 30x 0.02936; TOPMed 0.04626; gnomAD 0.05944 and 0.06085; gnomAD exomes 0.11765.
gnomAD v4.1: 9,036 of 152,252 alleles (5.9%); highest among the groups gnomAD compares: Non-Finnish European, 7.9%; 449 homozygotes.

Submissions (3):

GeneDx
Classification: Benign. Last evaluated: 2021-05-12. Review status: criteria provided, single submitter. Criteria: GeneDx Variant Classification Process June 2021. Collection method: clinical testing. Allele origin: germline. Affected: yes.

Illumina Laboratory Services, Illumina
Classification: Benign for Ceroid lipofuscinosis, neuronal, 4 (Kufs type). Last evaluated: 2018-01-12. Review status: criteria provided, single submitter. Criteria: ICSL Variant Classification Criteria 13 December 2019. Collection method: clinical testing. Allele origin: germline.
Comment: This variant was observed in the ICSL laboratory as part of a predisposition screen in an ostensibly healthy population. It had not been previously curated by ICSL or reported in the Human Gene Mutation Database (HGMD: prior to June 1st, 2018), and was therefore a candidate for classification through an automated scoring system. Utilizing variant allele frequency, disease prevalence and penetrance estimates, and inheritance mode, an automated score was calculated to assess if this variant is too frequent to cause the disease. Based on the score and internal cut-off values, a variant classified as benign is not then subjected to further curation. The score for this variant resulted in a classification of benign for this disease.

Breakthrough Genomics
Classification: Likely benign. Review status: criteria provided, single submitter. Criteria: ACMG Guidelines, 2015. Collection method: not provided. Allele origin: germline. Inheritance: Autosomal dominant inheritance. Affected: yes.